The following is an entry in ClinVar:

NM_001042492.3(NF1):c.2599_2600dup (p.Met867fs)

Gene: NF1 (neurofibromin 1; plus strand). Cytogenetic location: 17q11.2.
Variant type: Duplication.
Coding change: c.2599_2600dup on transcript NM_001042492.3 (MANE Select); coding-DNA positions 2599 to 2600, 2 bases duplicated (AT; older notation c.2599_2600dupAT).
Protein change: p.Met867fs; shifts the reading frame from methionine 867.
Molecular consequence: frameshift variant.
Genome position (GRCh38, 1-based): chr17:31,229,214-31,229,215, AT duplicated. VCF-style (leftmost placement, unchanged base first): chr17-31229213-C-CAT. GRCh37 (hg19) VCF-style: chr17-29556231-C-CAT.
Other names: c.2600_2601insAT (NM_001042492.2); c.2599_2600dup, p.Met867Ilefs (NM_000267.4); short protein forms M867fs.
Identifiers: ClinVar variation 2628070 (VCV002628070.2), dbSNP rs2508185018, ClinGen allele CA2695201286.

ClinVar aggregate classification (germline): Pathogenic (1 of 4 stars; one submission).

Conditions:
Neurofibromatosis, type 1 (NF1). Also called: VON RECKLINGHAUSEN DISEASE; NEUROFIBROMATOSIS, TYPE I, SOMATIC; Peripheral type neurofibromatosis; Neurofibromatosis, type I. Identifiers: Orphanet 636, MedGen C0027831, MONDO:0018975, OMIM 162200. Disease mechanism: loss of function.

Submission:

KCCC/NGS Laboratory, Kuwait Cancer Control Center
Classification: Pathogenic for Neurofibromatosis, type 1. Last evaluated: 2023-11-13. Review status: criteria provided, single submitter. Criteria: ACMG Guidelines, 2015. Collection method: clinical testing. Allele origin: germline. Inheritance: Autosomal dominant inheritance. Affected: yes. Observed: 1 heterozygote.
Comment: A pathogenic variant is detected in the NF1 gene (c.2600_2601insAT). This sequence change creates a premature translational stop signal (p.Met867IlefsTer12) in the NF1 gene. It is expected to result in an absent or disrupted protein product. Loss-of-function variants in NF1 are known to be pathogenic (PMID: 10712197, 23913538). This variant is not present in population databases (gnomAD no frequency). This variant has not been reported in the literature in individuals affected with NF1-related conditions. Algorithms developed to predict the effect of sequence changes on RNA splicing suggest that this variant may create or strengthen a splice site. Therefore, this variant has been classified as Pathogenic. Pathogenic/likely pathogenic variant in the NF1 gene are know to cause neurofibromatosis type 1.